The following is an entry in ClinVar:

ClinVar aggregate classification (germline): Benign/Likely benign. Review status: criteria provided, multiple submitters, no conflicts (2 of 4 stars). 3 submissions from 3 submitters: Benign (1); Likely benign (1). 1 of the submissions does not count toward it. Last evaluated 2026-01-22.

Conditions:
TNFRSF13B-related disorder. Also called: TNFRSF13B-related condition.
Immunodeficiency, common variable, 2 (CVID2). Also called: ANTIBODY DEFICIENCY DUE TO TACI DEFECT; HYPOGAMMAGLOBULINEMIA DUE TO TACI DEFICIENCY. Identifiers: Orphanet 1572, MedGen C3150354, MONDO:0009413, OMIM 240500.

Allele frequency attached by ClinVar (database versions not stated): TOPMed 0.00009; gnomAD 0.00011; gnomAD exomes 0.00014 and 0.00023; ESP Exome Variant Server 0.00015; ExAC 0.00018.
gnomAD v4.1: 235 of 1,614,250 alleles (0.015%); highest among the groups gnomAD compares: East Asian, 0.2%; 1 homozygote.

Submissions (3):

Labcorp Genetics (formerly Invitae), Labcorp
Classification: Benign for Immunodeficiency, common variable, 2. Last evaluated: 2026-01-22. Review status: criteria provided, single submitter. Criteria: Invitae Variant Classification Sherloc (09022015). Collection method: clinical testing. Allele origin: germline.

Blueprint Genetics
Classification: Likely benign. Last evaluated: 2024-09-13. Review status: criteria provided, single submitter. Criteria: ACMG Guidelines, 2015. Collection method: clinical testing. Allele origin: germline.

PreventionGenetics, part of Exact Sciences
Classification: Likely benign for TNFRSF13B-related condition. Last evaluated: 2019-03-04. Review status: no assertion criteria provided. Collection method: clinical testing. Allele origin: germline. Not counted in ClinVar's aggregate classification.
Comment: This variant is classified as likely benign based on ACMG/AMP sequence variant interpretation guidelines (Richards et al. 2015 PMID: 25741868, with internal and published modifications).

NM_012452.3(TNFRSF13B):c.126T>C (p.Pro42=)

Gene: TNFRSF13B (TNF receptor superfamily member 13B; minus strand). Cytogenetic location: 17p11.2.
Variant type: single nucleotide variant.
Coding change: c.126T>C on transcript NM_012452.3 (MANE Select); coding-DNA position 126, T replaced by C.
Protein change: p.Pro42=; no amino-acid change (proline 42 retained).
Molecular consequence: synonymous variant.
Genome position (GRCh38, 1-based): chr17:16,952,519, A>G on the plus strand (T>C on the coding strand, the complement: TNFRSF13B is on the minus strand). VCF-style: chr17-16952519-A-G. GRCh37 (hg19) VCF-style: chr17-16855833-A-G.
Identifiers: ClinVar variation 322030 (VCV000322030.17), dbSNP rs377551435, ClinGen allele CA8414104.
Genomic context (GRCh38, chr17:16,952,519, plus strand): 5'-ACAGGTGCGCTGGCTCTGATGGTTGCAAATGGTTTTGCAGGACATGCAGGTACCCAGCAG[A>G]GGATCCCAGTACTGCTCTTCGGGGCAGGATCTCATAGCCACCCCCGTCCACAGGCCCTGT-3'
Protein context (NP_036584.1, residues 32-52): RSCPEEQYWD[Pro42=]LLGTCMSCKT